The following is an entry in ClinVar:

NM_002855.5(NECTIN1):c.*727T>C

Gene: NECTIN1 (nectin cell adhesion molecule 1; minus strand). Cytogenetic location: 11q23.3.
Variant type: single nucleotide variant.
Coding change: c.*727T>C on transcript NM_002855.5 (MANE Select); 727 bases downstream of the stop codon, T replaced by C.
Molecular consequence: 3 prime UTR variant. On other transcripts: intron variant (1).
Genome position (GRCh38, 1-based): chr11:119,664,020, A>G on the plus strand (T>C on the coding strand, the complement: NECTIN1 is on the minus strand). VCF-style: chr11-119664020-A-G. GRCh37 (hg19) VCF-style: chr11-119534730-A-G.
Other names: c.1003+11139T>C (NM_203285.2).
Identifiers: ClinVar variation 878968 (VCV000878968.5), dbSNP rs11603655, ClinGen allele CA13510953.

ClinVar aggregate classification (germline): Benign (1 of 4 stars; one submission).

Conditions:
Cleft lip/palate-ectodermal dysplasia syndrome (CLPED1). Also called: ECTODERMAL DYSPLASIA, CLEFT LIP AND PALATE, MENTAL RETARDATION, AND SYNDACTYLY; ECTODERMAL DYSPLASIA, MARGARITA ISLAND TYPE; ECTODERMAL DYSPLASIA, TYPE 4; Zlotogora syndrome; ZLOTOGORA-OGUR SYNDROME. Identifiers: Orphanet 3253, MedGen C2931488, MONDO:0009151, OMIM 225060.

Allele frequency attached by ClinVar (database versions not stated): gnomAD exomes 0.00503; gnomAD 0.05988 and 0.06453; 1000 Genomes Project 0.06070; 1000 Genomes Project 30x 0.06652; TOPMed 0.06845.
gnomAD v4.1: 13,386 of 985,812 alleles (1.4%); highest among the groups gnomAD compares: African/African-American, 21%; 1,335 homozygotes.

Submission:

Illumina Laboratory Services, Illumina
Classification: Benign for Cleft lip/palate-ectodermal dysplasia syndrome. Last evaluated: 2018-01-13. Review status: criteria provided, single submitter. Criteria: ICSL Variant Classification Criteria 13 December 2019. Collection method: clinical testing. Allele origin: germline.
Comment: This variant was observed in the ICSL laboratory as part of a predisposition screen in an ostensibly healthy population. It had not been previously curated by ICSL or reported in the Human Gene Mutation Database (HGMD: prior to June 1st, 2018), and was therefore a candidate for classification through an automated scoring system. Utilizing variant allele frequency, disease prevalence and penetrance estimates, and inheritance mode, an automated score was calculated to assess if this variant is too frequent to cause the disease. Based on the score and internal cut-off values, a variant classified as benign is not then subjected to further curation. The score for this variant resulted in a classification of benign for this disease.